The following is an entry in ClinVar:

ClinVar aggregate classification (germline): Conflicting classifications of pathogenicity. Review status: criteria provided, conflicting classifications (1 of 4 stars). 7 submissions from 7 submitters: Uncertain significance (1); Benign (4); Likely benign (2). Last evaluated 2026-07-01.

Conditions:
Autosomal recessive nonsyndromic hearing loss 30. Identifiers: Orphanet 90636, MedGen C1846784, MONDO:0011774, OMIM 607101.

Allele frequency attached by ClinVar (database versions not stated): ESP Exome Variant Server 0.00008; gnomAD exomes 0.00055 and 0.00159; gnomAD 0.00078 and 0.00101; ExAC 0.00136; TOPMed 0.00149; 1000 Genomes Project 0.00499; 1000 Genomes Project 30x 0.00562.
gnomAD v4.1: 966 of 1,613,158 alleles (0.06%); highest among the groups gnomAD compares: Admixed American, 0.73%; 9 homozygotes.

Submissions (7):

CeGaT Center for Human Genetics Tuebingen
Classification: Likely benign. Last evaluated: 2026-07-01. Review status: criteria provided, single submitter. Criteria: CeGaT Center For Human Genetics Tuebingen Variant Classification Criteria Version 2. Collection method: clinical testing. Allele origin: germline. Affected: yes. Observed: 2 variant alleles.
Comment: MYO3A: BP4, BS2

Labcorp Genetics (formerly Invitae), Labcorp
Classification: Benign. Last evaluated: 2026-01-08. Review status: criteria provided, single submitter. Criteria: Invitae Variant Classification Sherloc (09022015). Collection method: clinical testing. Allele origin: germline.

Blueprint Genetics
Classification: Likely benign. Last evaluated: 2024-09-30. Review status: criteria provided, single submitter. Criteria: ACMG Guidelines, 2015. Collection method: clinical testing. Allele origin: germline.

GeneDx
Classification: Benign. Last evaluated: 2020-09-16. Review status: criteria provided, single submitter. Criteria: GeneDx Variant Classification Process June 2021. Collection method: clinical testing. Allele origin: germline. Affected: yes.

Illumina Laboratory Services, Illumina
Classification: Uncertain significance for Autosomal recessive nonsyndromic hearing loss 30. Last evaluated: 2018-01-13. Review status: criteria provided, single submitter. Criteria: ICSL Variant Classification Criteria 13 December 2019. Collection method: clinical testing. Allele origin: germline.

Eurofins Ntd Llc (ga)
Classification: Benign. Last evaluated: 2017-10-17. Review status: criteria provided, single submitter. Criteria: EGL Classification Definitions 2015. Collection method: clinical testing. Allele origin: germline. Observed: 1 variant allele, 1 heterozygote.

Laboratory for Molecular Medicine, Mass General Brigham Personalized Medicine
Classification: Benign. Last evaluated: 2015-12-21. Review status: criteria provided, single submitter. Criteria: LMM Criteria. Collection method: clinical testing. Allele origin: germline. Observed: 4 variant alleles.
Comment: Leu711Leu in Exon 20 of MYO3A: This variant is not expected to have clinical sig nificance because it does not alter an amino acid residue, is not located within the splice consensus sequence, and has been identified in 0.65% (75/11534) of L atino chromosomes by the Exome Aggregation Consortium (ExAC; dbSNP rs56147819).

NM_017433.5(MYO3A):c.2133G>A (p.Leu711=)

Gene: MYO3A (myosin IIIA; plus strand). Cytogenetic location: 10p12.1.
Variant type: single nucleotide variant.
Coding change: c.2133G>A on transcript NM_017433.5 (MANE Select); coding-DNA position 2133, G replaced by A.
Protein change: p.Leu711=; no amino-acid change (leucine 711 retained).
Molecular consequence: synonymous variant.
Genome position (GRCh38, 1-based): chr10:26,128,409, G>A. VCF-style: chr10-26128409-G-A. GRCh37 (hg19) VCF-style: chr10-26417338-G-A.
Identifiers: ClinVar variation 164619 (VCV000164619.25), dbSNP rs56147819, ClinGen allele CA177334.